The following is an entry in ClinVar:

ClinVar aggregate classification (germline): Likely pathogenic. Review status: criteria provided, multiple submitters, no conflicts (2 of 4 stars). 3 submissions from 3 submitters: Likely pathogenic (2). 1 of the submissions does not count toward it. Last evaluated 2024-07-30.

Conditions:
PKLR-related disorder. Also called: PKLR-related condition.

Allele frequency attached by ClinVar (database versions not stated): TOPMed below 0.00001.

Submissions (3):

ARUP Laboratories, Molecular Genetics and Genomics, ARUP Laboratories
Classification: Likely pathogenic. Last evaluated: 2024-07-30. Review status: criteria provided, single submitter. Criteria: ARUP Molecular Germline Variant Investigation Process 2024. Collection method: clinical testing. Allele origin: germline.
Comment: The PKLR c.1241C>G; p.Pro414Arg variant (rs1647346476) is reported in the literature in multiple individuals affected with pyruvate kinase deficiency (Bianchi 2020). This variant is absent from the Genome Aggregation Database (v2.1.1), indicating it is not a common polymorphism. Computational analyses predict that this variant is deleterious (REVEL: 0.946). Additionally, another variant at this codon (c.1241C>T, p.Pro414Leu) has been reported homozygous in individuals with pyruvate kinase deficiency and is considered likely pathogenic (Warang 2013).Based on available information, this variant is considered to be likely pathogenic. References: Bianchi P et al. Genotype-phenotype correlation and molecular heterogeneity in pyruvate kinase deficiency. Am J Hematol. 2020 May;95(5):472-482. PMID: 32043619. Warang P et al. Molecular and clinical heterogeneity in pyruvate kinase deficiency in India. Blood Cells Mol Dis. 2013 Oct;51(3):133-7. PMID: 23770304.

Revvity Omics, Revvity
Classification: Likely pathogenic. Last evaluated: 2024-07-29. Review status: criteria provided, single submitter. Criteria: ACMG Guidelines, 2015. Collection method: clinical testing. Allele origin: germline.

PreventionGenetics, part of Exact Sciences
Classification: Likely pathogenic for PKLR-related condition. Last evaluated: 2024-02-15. Review status: no assertion criteria provided. Collection method: clinical testing. Allele origin: germline. Not counted in ClinVar's aggregate classification.
Comment: The PKLR c.1241C>G variant is predicted to result in the amino acid substitution p.Pro414Arg. This variant has been reported in three compound heterozygous individuals with pyruvate kinase deficiency that also were heterozygous for the c.1529G>A (p.Arg510Gln) variant (Table S3 Bianchi et al. 2020. PubMed ID: 32043619). A different missense change at the same position, p.Pro414Leu, has been reported in a homozygous patient withy pyruvate kinase deficiency (Warang et al. 2013. PubMed ID: 23770304). This variant has not been reported in a large population database, indicating this variant is rare. This variant is interpreted as likely pathogenic.

NM_000298.6(PKLR):c.1241C>G (p.Pro414Arg)

Gene: PKLR (pyruvate kinase L/R; minus strand). Cytogenetic location: 1q22.
Variant type: single nucleotide variant.
Coding change: c.1241C>G on transcript NM_000298.6 (MANE Select); coding-DNA position 1241, C replaced by G.
Protein change: p.Pro414Arg; replaces proline 414 with arginine.
Molecular consequence: missense variant.
Genome position (GRCh38, 1-based): chr1:155,293,466, G>C on the plus strand (C>G on the coding strand, the complement: PKLR is on the minus strand). VCF-style: chr1-155293466-G-C. GRCh37 (hg19) VCF-style: chr1-155263257-G-C.
Other names: c.1148C>G, p.Pro383Arg (NM_181871.4); short protein forms P383R, P414R.
Identifiers: ClinVar variation 3031439 (VCV003031439.4), dbSNP rs1647346476, ClinGen allele CA342752486.